The following is an entry in ClinVar:

NM_014251.3(SLC25A13):c.1751-5_1751-4insGATTTCTCCATTTTTTTTTTTTTTTTTNNNNNNNNNNGTCCCCCCGCCCCCCGAGCCCGAACCCCTTTCCACTGCCAACACCTCACCTCGCCCCCGCCGCCATCTTCCTCCTCCCTTGGCAGCCCCGCCCCCC

Gene: SLC25A13 (solute carrier family 25 member 13; minus strand). Cytogenetic location: 7q21.3.
Variant type: Microsatellite.
Coding change: c.1751-5_1751-4insGATTTCTCCATTTTTTTTTTTTTTTTTNNNNNNNNNNGTCCCCCCGCCCCCCGAGCCCGAACCCCTTTCCACTGCCAACACCTCACCTCGCCCCCGCCGCCATCTTCCTCCTCCCTTGGCAGCCCCGCCCCCC on transcript NM_014251.3 (MANE Select); 5 bases into the intron before coding-DNA position 1751 through 4 bases into the intron before coding-DNA position 1751, GATTTCTCCATTTTTTTTTTTTTTTTTNNNNNNNNNNGTCCCCCCGCCCCCCGAGCCCGAACCCCTTTCCACTGCCAACACCTCACCTCGCCCCCGCCGCCATCTTCCTCCTCCCTTGGCAGCCCCGCCCCCC inserted.
Molecular consequence: intron variant.
Genome position: GRCh38: chr7:96,121,750-96,121,766. GRCh37 (hg19): chr7:95,751,062-95,751,078.
Other names: c.1754-5_1754-4insGATTTCTCCATTTTTTTTTTTTTTTTTNNNNNNNNNNGTCCCCCCGCCCCCCGAGCCCGAACCCCTTTCCACTGCCAACACCTCACCTCGCCCCCGCCGCCATCTTCCTCCTCCCTTGGCAGCCCCGCCCCCC (NM_001160210.2).
Identifiers: ClinVar variation 1070408 (VCV001070408.6).

ClinVar aggregate classification (germline): Pathogenic (1 of 4 stars; one submission).

Conditions:
Citrin deficiency. Identifiers: Orphanet 247582, MedGen C1997910, MONDO:0016602.

Submission:

Labcorp Genetics (formerly Invitae), Labcorp
Classification: Pathogenic for Citrin deficiency. Last evaluated: 2025-12-23. Review status: criteria provided, single submitter. Criteria: Invitae Variant Classification Sherloc (09022015). Collection method: clinical testing. Allele origin: germline.
Comment: This sequence change inserts a large fragment of DNA, likely a transposable element, in intron 16 of the SLC25A13 gene (c.1751-5_1751-4ins?). The exact size and sequence of the insertion cannot be determined by the current assay. It does not directly change the encoded amino acid sequence of the SLC25A13 protein. This variant is not present in population databases (gnomAD no frequency). This variant has been observed in individual(s) with citrin deficiency (PMID: 24327139, 26109823, 27127784). In at least one individual the data is consistent with being in trans (on the opposite chromosome) from a pathogenic variant. This variant is also known as IVS16ins3kb. For these reasons, this variant has been classified as Pathogenic.

Literature cited by the submitters: PubMed 24327139; PubMed 26109823; PubMed 27127784.